The following is an entry in ClinVar:

NM_002294.3(LAMP2):c.209G>T (p.Gly70Val)

Gene: LAMP2 (lysosome associated membrane protein 2; minus strand). Cytogenetic location: Xq24.
Variant type: single nucleotide variant.
Coding change: c.209G>T on transcript NM_002294.3 (MANE Select); coding-DNA position 209, G replaced by T.
Protein change: p.Gly70Val; replaces glycine 70 with valine.
Molecular consequence: missense variant.
Genome position (GRCh38, 1-based): chrX:120,455,545, C>A on the plus strand (G>T on the coding strand, the complement: LAMP2 is on the minus strand). VCF-style: chrX-120455545-C-A. GRCh37 (hg19) VCF-style: chrX-119589400-C-A.
Other names: c.209G>T, p.Gly70Val (NM_001122606.1, NM_013995.2); short protein forms G70V.
Identifiers: ClinVar variation 1299879 (VCV001299879.7), dbSNP rs1340367353, ClinGen allele CA414403481.

ClinVar aggregate classification (germline): Uncertain significance. Review status: criteria provided, multiple submitters, no conflicts (2 of 4 stars). 4 submissions from 4 submitters: Uncertain significance (2). 2 of the submissions do not count toward it. Last evaluated 2023-08-03.

Conditions:
Cardiovascular phenotype. Identifiers: MedGen CN230736.
Danon disease. Also called: ANTOPOL DISEASE; PSEUDOGLYCOGENOSIS II; GSD IIb; LYSOSOMAL GLYCOGEN STORAGE DISEASE WITHOUT ACID MALTASE DEFICIENCY; Glycogen Storage Disease Type IIb. Identifiers: Orphanet 34587, MedGen C0878677, MONDO:0010281, OMIM 300257.

Allele frequency attached by ClinVar (database versions not stated): gnomAD 0.00001.

Submissions (4):

Labcorp Genetics (formerly Invitae), Labcorp
Classification: Uncertain significance for Danon disease. Last evaluated: 2023-08-03. Review status: criteria provided, single submitter. Criteria: Invitae Variant Classification Sherloc (09022015). Collection method: clinical testing. Allele origin: germline.
Comment: This sequence change replaces glycine, which is neutral and non-polar, with valine, which is neutral and non-polar, at codon 70 of the LAMP2 protein (p.Gly70Val). This variant is present in population databases (no rsID available, gnomAD 0.01%), including at least one homozygous and/or hemizygous individual. This variant has not been reported in the literature in individuals affected with LAMP2-related conditions. ClinVar contains an entry for this variant (Variation ID: 1299879). Advanced modeling of protein sequence and biophysical properties (such as structural, functional, and spatial information, amino acid conservation, physicochemical variation, residue mobility, and thermodynamic stability) performed at Invitae indicates that this missense variant is not expected to disrupt LAMP2 protein function. In summary, the available evidence is currently insufficient to determine the role of this variant in disease. Therefore, it has been classified as a Variant of Uncertain Significance.

Ambry Genetics
Classification: Uncertain significance for Cardiovascular phenotype. Last evaluated: 2019-01-28. Review status: criteria provided, single submitter. Criteria: Ambry Variant Classification Scheme 2023. Collection method: clinical testing. Allele origin: germline.
Comment: The p.G70V variant (also known as c.209G>T), located in coding exon 3 of the LAMP2 gene, results from a G to T substitution at nucleotide position 209. The glycine at codon 70 is replaced by valine, an amino acid with dissimilar properties. This amino acid position is poorly conserved in available vertebrate species. In addition, this alteration is predicted to be tolerated by in silico analysis. Since supporting evidence is limited at this time, the clinical significance of this alteration remains unclear.

Diagnostic Laboratory, Department of Genetics, University Medical Center Groningen
Classification: Likely benign. Review status: no assertion criteria provided. Collection method: clinical testing. Allele origin: germline. Affected: yes. Study: VKGL Data-share Consensus. Not counted in ClinVar's aggregate classification.

Joint Genome Diagnostic Labs from Nijmegen and Maastricht, Radboudumc and MUMC+
Classification: Likely benign. Review status: no assertion criteria provided. Collection method: clinical testing. Allele origin: germline. Affected: yes. Study: VKGL Data-share Consensus. Not counted in ClinVar's aggregate classification.